The following is an entry in ClinVar:

ClinVar aggregate classification (germline): Uncertain significance (1 of 4 stars; one submission).

Conditions:
Autosomal recessive limb-girdle muscular dystrophy type 2D (LGMDR3). Also called: ADHALINOPATHY, PRIMARY; DUCHENNE-LIKE AUTOSOMAL RECESSIVE MUSCULAR DYSTROPHY, TYPE 2; MUSCULAR DYSTROPHY, LIMB-GIRDLE, AUTOSOMAL RECESSIVE 3. Identifiers: Orphanet 62, MedGen C2936332, MONDO:0011968, OMIM 608099. Disease mechanism: Affects gamma-sarcoglycan and also disrupts the integrity of the entire sarcoglycan complex..

Submission:

Labcorp Genetics (formerly Invitae), Labcorp
Classification: Uncertain significance for Autosomal recessive limb-girdle muscular dystrophy type 2D. Last evaluated: 2022-12-06. Review status: criteria provided, single submitter. Criteria: Invitae Variant Classification Sherloc (09022015). Collection method: clinical testing. Allele origin: germline.
Comment: In summary, the available evidence is currently insufficient to determine the role of this variant in disease. Therefore, it has been classified as a Variant of Uncertain Significance. Advanced modeling of protein sequence and biophysical properties (such as structural, functional, and spatial information, amino acid conservation, physicochemical variation, residue mobility, and thermodynamic stability) performed at Invitae indicates that this missense variant is expected to disrupt SGCA protein function. This variant has not been reported in the literature in individuals affected with SGCA-related conditions. This variant is not present in population databases (gnomAD no frequency). This sequence change replaces glutamic acid, which is acidic and polar, with lysine, which is basic and polar, at codon 96 of the SGCA protein (p.Glu96Lys).

NM_000023.4(SGCA):c.286G>A (p.Glu96Lys)

Gene: SGCA (sarcoglycan alpha; plus strand). Cytogenetic location: 17q21.33.
Variant type: single nucleotide variant.
Coding change: c.286G>A on transcript NM_000023.4 (MANE Select); coding-DNA position 286, G replaced by A.
Protein change: p.Glu96Lys; replaces glutamic acid 96 with lysine.
Molecular consequence: missense variant. On other transcripts: non-coding transcript variant (1).
Genome position (GRCh38, 1-based): chr17:50,167,710, G>A. VCF-style: chr17-50167710-G-A. GRCh37 (hg19) VCF-style: chr17-48245071-G-A.
Other names: c.286G>A, p.Glu96Lys (NM_001135697.3); short protein forms E96K.
Identifiers: ClinVar variation 1997915 (VCV001997915.4), dbSNP rs2509119142, ClinGen allele CA400177852.